The following is an entry in ClinVar:

ClinVar aggregate classification (germline): Uncertain significance (1 of 4 stars; one submission).

Conditions:
Hereditary cancer-predisposing syndrome. Also called: Neoplastic Syndromes, Hereditary; Hereditary Cancer Syndrome; Hereditary neoplastic syndrome; Tumor predisposition. Identifiers: Orphanet 140162, MedGen C0027672, MeSH D009386, MONDO:0015356.

Submission:

Ambry Genetics
Classification: Uncertain significance for Hereditary cancer-predisposing syndrome. Last evaluated: 2023-04-18. Review status: criteria provided, single submitter. Criteria: Ambry Variant Classification Scheme 2023. Collection method: clinical testing. Allele origin: germline.
Comment: The p.S661R variant (also known as c.1983C>A), located in coding exon 13 of the TSC1 gene, results from a C to A substitution at nucleotide position 1983. The serine at codon 661 is replaced by arginine, an amino acid with dissimilar properties. This amino acid position is conserved. In addition, this alteration is predicted to be tolerated by in silico analysis. Since supporting evidence is limited at this time, the clinical significance of this alteration remains unclear.

NM_000368.5(TSC1):c.1983C>A (p.Ser661Arg)

Gene: TSC1 (TSC complex subunit 1; minus strand). Cytogenetic location: 9q34.13.
Variant type: single nucleotide variant.
Coding change: c.1983C>A on transcript NM_000368.5 (MANE Select); coding-DNA position 1983, C replaced by A.
Protein change: p.Ser661Arg; replaces serine 661 with arginine.
Molecular consequence: missense variant. On other transcripts: non-coding transcript variant (5).
Genome position (GRCh38, 1-based): chr9:132,905,595, G>T on the plus strand (C>A on the coding strand, the complement: TSC1 is on the minus strand). VCF-style: chr9-132905595-G-T. GRCh37 (hg19) VCF-style: chr9-135780982-G-T.
Other names: c.1980C>A, p.Ser660Arg (NM_001162426.2, NM_001406597.1, NM_001406598.1 and 6 more transcripts); c.1830C>A, p.Ser610Arg (NM_001162427.2, NM_001406610.1); c.1620C>A, p.Ser540Arg (NM_001362177.2, NM_001406614.1, NM_001406615.1 and 5 more transcripts); c.1983C>A, p.Ser661Arg (NM_001406592.1, NM_001406593.1, NM_001406594.1 and 7 more transcripts); c.1827C>A, p.Ser609Arg (NM_001406611.1, NM_001406612.1, NM_001406613.1); c.1617C>A, p.Ser539Arg (NM_001406620.1, NM_001406621.1, NM_001406622.1 and 2 more transcripts); c.1032C>A, p.Ser344Arg (NM_001406626.1); c.1029C>A, p.Ser343Arg (NM_001406627.1, NM_001406628.1); and 1 more; short protein forms S540R, S539R, S609R, S610R, S660R, S310R, S343R, S344R.
Identifiers: ClinVar variation 2562868 (VCV002562868.2), dbSNP rs2131807903, ClinGen allele CA375362276.